The following is an entry in ClinVar:

ClinVar aggregate classification (germline): Likely benign. Review status: criteria provided, multiple submitters, no conflicts (2 of 4 stars). 4 submissions from 4 submitters: Likely benign (4). Last evaluated 2025-07-23.

Conditions:
Epileptic encephalopathy. Identifiers: MedGen C0543888, HP:0200134.

Allele frequency attached by ClinVar (database versions not stated): gnomAD exomes 0.00044; gnomAD 0.00048; TOPMed 0.00049; ExAC 0.00051; 1000 Genomes Project 0.00060; 1000 Genomes Project 30x 0.00062; ESP Exome Variant Server 0.00069.
gnomAD v4.1: 806 of 1,611,992 alleles (0.05%); highest among the groups gnomAD compares: Middle Eastern, 0.22%; 1 homozygote.

Submissions (4):

Labcorp Genetics (formerly Invitae), Labcorp
Classification: Likely benign for Epileptic encephalopathy. Last evaluated: 2025-07-23. Review status: criteria provided, single submitter. Criteria: Invitae Variant Classification Sherloc (09022015). Collection method: clinical testing. Allele origin: germline.

Blueprint Genetics
Classification: Likely benign. Last evaluated: 2024-10-17. Review status: criteria provided, single submitter. Criteria: ACMG Guidelines, 2015. Collection method: clinical testing. Allele origin: germline.

CeGaT Center for Human Genetics Tuebingen
Classification: Likely benign. Last evaluated: 2023-11-01. Review status: criteria provided, single submitter. Criteria: CeGaT Center For Human Genetics Tuebingen Variant Classification Criteria Version 2. Collection method: clinical testing. Allele origin: germline. Affected: yes. Observed: 1 variant allele.
Comment: FASN: BP7

Breakthrough Genomics
Classification: Likely benign. Review status: criteria provided, single submitter. Criteria: ACMG Guidelines, 2015. Collection method: not provided. Allele origin: germline. Inheritance: Unknown mechanism. Affected: yes.

NM_004104.5(FASN):c.3549G>A (p.Ser1183=)

Gene: FASN (fatty acid synthase; minus strand). Cytogenetic location: 17q25.3.
Variant type: single nucleotide variant.
Coding change: c.3549G>A on transcript NM_004104.5 (MANE Select); coding-DNA position 3549, G replaced by A.
Protein change: p.Ser1183=; no amino-acid change (serine 1183 retained).
Molecular consequence: synonymous variant.
Genome position (GRCh38, 1-based): chr17:82,086,437, C>T on the plus strand (G>A on the coding strand, the complement: FASN is on the minus strand). VCF-style: chr17-82086437-C-T. GRCh37 (hg19) VCF-style: chr17-80044313-C-T.
Identifiers: ClinVar variation 462037 (VCV000462037.36), dbSNP rs72863336, ClinGen allele CA8852340.
Genomic context (GRCh38, chr17:82,086,437, plus strand): 5'-GGCCAGCACCTGCGCCAGCTCCAGCTGCAGGTTCCCGTTGAGCTGAAGCCTGCAGGCAGC[C>T]GACAACAGCCGGGGCAGTTCCTGCTGTGAGGGGTCCCGGGGGATCTGGGCCCCATCCAGT-3'
Protein context (NP_004095.4, residues 1173-1193): PSQQELPRLL[Ser1183=]AACRLQLNGN